The following is an entry in ClinVar:

NM_032578.4(MYPN):c.3623A>G (p.Asp1208Gly)

Gene: MYPN (myopalladin; plus strand). Cytogenetic location: 10q21.3.
Variant type: single nucleotide variant.
Coding change: c.3623A>G on transcript NM_032578.4 (MANE Select); coding-DNA position 3623, A replaced by G.
Protein change: p.Asp1208Gly; replaces aspartic acid 1208 with glycine.
Molecular consequence: missense variant. On other transcripts: non-coding transcript variant (2).
Genome position (GRCh38, 1-based): chr10:68,201,958, A>G. VCF-style: chr10-68201958-A-G. GRCh37 (hg19) VCF-style: chr10-69961715-A-G.
Other names: c.3623A>G (NM_032578.3); c.3623A>G, p.Asp1208Gly (NM_001256267.2); c.2741A>G, p.Asp914Gly (NM_001256268.2); short protein forms D1208G, D914G.
Identifiers: ClinVar variation 1058862 (VCV001058862.11), dbSNP rs2043722325, ClinGen allele CA376860276.

ClinVar aggregate classification (germline): Uncertain significance. Review status: criteria provided, multiple submitters, no conflicts (2 of 4 stars). 4 submissions from 4 submitters: Uncertain significance (3). 1 of the submissions does not count toward it. Last evaluated 2025-03-18.

Conditions:
MYPN-related myopathy (CMYO24). Also called: Nemaline myopathy 11, autosomal recessive. Identifiers: MedGen C4479186, MONDO:0015023, OMIM 617336.
Dilated cardiomyopathy 1KK (CMD1KK). Identifiers: Orphanet 154, Orphanet 75249, MedGen C3714995, MONDO:0014100, OMIM 615248.
Cardiovascular phenotype. Identifiers: MedGen CN230736.
Hypertrophic cardiomyopathy. Also called: HYPERTROPHIC MYOCARDIOPATHY. Identifiers: Orphanet 217569, MedGen C0007194, MeSH D002312, MONDO:0005045, HP:0001639.

Allele frequency attached by ClinVar (database versions not stated): gnomAD 0.00001; gnomAD exomes 0.00001; TOPMed 0.00001.
gnomAD v4.1: 20 of 1,613,994 alleles (0.0012%); highest among the groups gnomAD compares: Admixed American, 0.0017%; no homozygotes.

Submissions (4):

Ambry Genetics
Classification: Uncertain significance for Cardiovascular phenotype. Last evaluated: 2025-03-18. Review status: criteria provided, single submitter. Criteria: Ambry Variant Classification Scheme 2023. Collection method: clinical testing. Allele origin: germline.
Comment: The p.D1208G variant (also known as c.3623A>G), located in coding exon 17 of the MYPN gene, results from an A to G substitution at nucleotide position 3623. The aspartic acid at codon 1208 is replaced by glycine, an amino acid with similar properties. This amino acid position is conserved. In addition, the in silico prediction for this alteration is inconclusive. Since supporting evidence is limited at this time, the clinical significance of this alteration remains unclear.

Labcorp Genetics (formerly Invitae), Labcorp
Classification: Uncertain significance for Dilated cardiomyopathy 1KK. Last evaluated: 2022-10-24. Review status: criteria provided, single submitter. Criteria: Invitae Variant Classification Sherloc (09022015). Collection method: clinical testing. Allele origin: germline.
Comment: This sequence change replaces aspartic acid, which is acidic and polar, with glycine, which is neutral and non-polar, at codon 1208 of the MYPN protein (p.Asp1208Gly). This variant is not present in population databases (gnomAD no frequency). This variant has not been reported in the literature in individuals affected with MYPN-related conditions. ClinVar contains an entry for this variant (Variation ID: 1058862). Algorithms developed to predict the effect of missense changes on protein structure and function are either unavailable or do not agree on the potential impact of this missense change (SIFT: "Deleterious"; PolyPhen-2: "Probably Damaging"; Align-GVGD: "Class C0"). In summary, the available evidence is currently insufficient to determine the role of this variant in disease. Therefore, it has been classified as a Variant of Uncertain Significance.

Fulgent Genetics
Classification: Uncertain significance for Dilated cardiomyopathy 1KK; MYPN-related myopathy. Last evaluated: 2021-09-07. Review status: criteria provided, single submitter. Criteria: ACMG Guidelines, 2015. Collection method: clinical testing. Allele origin: unknown.

Zaffran Lab, Genetics of Cardiac Diseases Laboratory, Marseille Medical Genetics
Classification: Uncertain significance for hypertrophic cardiomyopathy. Review status: no assertion criteria provided. Collection method: research. Allele origin: unknown. Affected: yes. Not counted in ClinVar's aggregate classification.